The following is an entry in ClinVar:

ClinVar aggregate classification (germline): Uncertain significance (1 of 4 stars; one submission).

Conditions:
Cardiovascular phenotype. Identifiers: MedGen CN230736.

Submission:

Ambry Genetics
Classification: Uncertain significance for Cardiovascular phenotype. Last evaluated: 2025-02-06. Review status: criteria provided, single submitter. Criteria: Ambry Variant Classification Scheme 2023. Collection method: clinical testing. Allele origin: germline.
Comment: The p.Q424R variant (also known as c.1271A>G), located in coding exon 5 of the ALPK3 gene, results from an A to G substitution at nucleotide position 1271. The glutamine at codon 424 is replaced by arginine, an amino acid with highly similar properties. This amino acid position is conserved. In addition, this alteration is predicted to be tolerated by in silico analysis. Based on the available evidence, the clinical significance of this variant remains unclear.

NM_020778.5(ALPK3):c.665A>G (p.Gln222Arg)

Gene: ALPK3 (alpha kinase 3; plus strand). Cytogenetic location: 15q25.3.
Variant type: single nucleotide variant.
Coding change: c.665A>G on transcript NM_020778.5 (MANE Select); coding-DNA position 665, A replaced by G.
Protein change: p.Gln222Arg; replaces glutamine 222 with arginine.
Molecular consequence: missense variant.
Genome position (GRCh38, 1-based): chr15:84,839,944, A>G. VCF-style: chr15-84839944-A-G. GRCh37 (hg19) VCF-style: chr15-85383175-A-G.
Other names: short protein forms Q222R.
Identifiers: ClinVar variation 3859451 (VCV003859451.1).